The following is an entry in ClinVar:

ClinVar aggregate classification (germline): Uncertain significance (1 of 4 stars; one submission).

Conditions:
Duchenne muscular dystrophy (DMD). Also called: MUSCULAR DYSTROPHY, PSEUDOHYPERTROPHIC PROGRESSIVE, DUCHENNE TYPE; Duchenne Muscular Dystrophy (DMD). Identifiers: Orphanet 98896, MedGen C0013264, MONDO:0010679, OMIM 310200.

Allele frequency attached by ClinVar (database versions not stated): gnomAD exomes below 0.00001 and 0.00001.
gnomAD v4.1: 1 of 1,211,014 alleles (0.000083%); highest among the groups gnomAD compares: Admixed American, 0.0022%; no homozygotes.

Submission:

Labcorp Genetics (formerly Invitae), Labcorp
Classification: Uncertain significance for Duchenne muscular dystrophy. Last evaluated: 2021-10-15. Review status: criteria provided, single submitter. Criteria: Invitae Variant Classification Sherloc (09022015). Collection method: clinical testing. Allele origin: germline.
Comment: This sequence change replaces proline with threonine at codon 1011 of the DMD protein (p.Pro1011Thr). The proline residue is highly conserved and there is a small physicochemical difference between proline and threonine. This variant is not present in population databases (ExAC no frequency). This variant has not been reported in the literature in individuals affected with DMD-related conditions. Algorithms developed to predict the effect of missense changes on protein structure and function are either unavailable or do not agree on the potential impact of this missense change (SIFT: "Tolerated"; PolyPhen-2: "Probably Damaging"; Align-GVGD: "Class C0"). In summary, the available evidence is currently insufficient to determine the role of this variant in disease. Therefore, it has been classified as a Variant of Uncertain Significance.

NM_004006.3(DMD):c.3031C>A (p.Pro1011Thr)

Gene: DMD (dystrophin; minus strand). Cytogenetic location: Xp21.1.
Variant type: single nucleotide variant.
Coding change: c.3031C>A on transcript NM_004006.3 (MANE Select); coding-DNA position 3031, C replaced by A.
Protein change: p.Pro1011Thr; replaces proline 1011 with threonine.
Molecular consequence: missense variant.
Genome position (GRCh38, 1-based): chrX:32,468,629, G>T on the plus strand (C>A on the coding strand, the complement: DMD is on the minus strand). VCF-style: chrX-32468629-G-T. GRCh37 (hg19) VCF-style: chrX-32486746-G-T.
Other names: c.3007C>A, p.Pro1003Thr (NM_000109.4); c.3019C>A, p.Pro1007Thr (NM_004009.3); c.2662C>A, p.Pro888Thr (NM_004010.3); short protein forms P1011T, P1007T, P888T, P1003T.
Identifiers: ClinVar variation 1390494 (VCV001390494.3), dbSNP rs982781720, ClinGen allele CA412667022.